The following is an entry in ClinVar:

NM_017617.5(NOTCH1):c.3110A>G (p.Gln1037Arg)

Gene: NOTCH1 (notch receptor 1; minus strand). Cytogenetic location: 9q34.3.
Variant type: single nucleotide variant.
Coding change: c.3110A>G on transcript NM_017617.5 (MANE Select); coding-DNA position 3110, A replaced by G.
Protein change: p.Gln1037Arg; replaces glutamine 1037 with arginine.
Molecular consequence: missense variant.
Genome position (GRCh38, 1-based): chr9:136,508,931, T>C on the plus strand (A>G on the coding strand, the complement: NOTCH1 is on the minus strand). VCF-style: chr9-136508931-T-C. GRCh37 (hg19) VCF-style: chr9-139403383-T-C.
Other names: short protein forms Q1037R.
Identifiers: ClinVar variation 1518369 (VCV001518369.9), dbSNP rs1408874772, ClinGen allele CA375552762.

ClinVar aggregate classification (germline): Uncertain significance. Review status: criteria provided, multiple submitters, no conflicts (2 of 4 stars). 2 submissions from 2 submitters: Uncertain significance (2). Last evaluated 2021-03-22.

Conditions:
Adams-Oliver syndrome 5 (AOS5). Identifiers: Orphanet 974, MedGen C4014970, MONDO:0014459, OMIM 616028.

Submissions (2):

Labcorp Genetics (formerly Invitae), Labcorp
Classification: Uncertain significance for Adams-Oliver syndrome 5. Last evaluated: 2021-03-22. Review status: criteria provided, single submitter. Criteria: Invitae Variant Classification Sherloc (09022015). Collection method: clinical testing. Allele origin: germline.
Comment: In summary, the available evidence is currently insufficient to determine the role of this variant in disease. Therefore, it has been classified as a Variant of Uncertain Significance. Advanced modeling of protein sequence and biophysical properties (such as structural, functional, and spatial information, amino acid conservation, physicochemical variation, residue mobility, and thermodynamic stability) performed at Invitae indicates that this missense variant is not expected to disrupt NOTCH1 protein function. This variant has not been reported in the literature in individuals with NOTCH1-related conditions. This variant is not present in population databases (ExAC no frequency). This sequence change replaces glutamine with arginine at codon 1037 of the NOTCH1 protein (p.Gln1037Arg). The glutamine residue is highly conserved and there is a small physicochemical difference between glutamine and arginine.

Blueprint Genetics
Classification: Uncertain significance. Last evaluated: 2020-06-24. Review status: criteria provided, single submitter. Criteria: ACMG Guidelines, 2015. Collection method: clinical testing. Allele origin: germline.